The following is an entry in ClinVar:

NM_024306.5(FA2H):c.202A>G (p.Arg68Gly)

Genes: FA2H (fatty acid 2-hydroxylase; minus strand), LOC130059394 (ATAC-STARR-seq lymphoblastoid silent region 7701; plus strand). Cytogenetic location: 16q23.1.
Variant type: single nucleotide variant.
Coding change: c.202A>G on transcript NM_024306.5 (MANE Select); coding-DNA position 202, A replaced by G.
Protein change: p.Arg68Gly; replaces arginine 68 with glycine.
Molecular consequence: missense variant.
Genome position (GRCh38, 1-based): chr16:74,774,554, T>C on the plus strand (A>G on the coding strand, the complement: FA2H is on the minus strand). VCF-style: chr16-74774554-T-C. GRCh37 (hg19) VCF-style: chr16-74808452-T-C.
Other names: short protein forms R68G.
Identifiers: ClinVar variation 1028804 (VCV001028804.12), dbSNP rs750198250, ClinGen allele CA8170618.

ClinVar aggregate classification (germline): Conflicting classifications of pathogenicity. Review status: criteria provided, conflicting classifications (1 of 4 stars). 5 submissions from 5 submitters: Uncertain significance (2); Likely benign (1). 2 of the submissions do not count toward it. Last evaluated 2026-01-20.

Conditions:
Inborn genetic diseases. Identifiers: MedGen C0950123, MeSH D030342.
Spastic paraplegia. Identifiers: MedGen C0037772, HP:0001258.
Hereditary spastic paraplegia 35. Also called: Spastic paraplegia 35; SPASTIC PARAPLEGIA 35, AUTOSOMAL RECESSIVE, WITH OR WITHOUT NEURODEGENERATION; LEUKODYSTROPHY, DYSMYELINATING, AND SPASTIC PARAPARESIS WITH OR WITHOUT DYSTONIA; Spastic paraplegia 35, autosomal recessive. Identifiers: Orphanet 171629, MedGen C3496228, MONDO:0012866, OMIM 612319.

Allele frequency attached by ClinVar (database versions not stated): ExAC 0.00005; gnomAD exomes 0.00005; gnomAD 0.00013 and 0.00014; TOPMed 0.00023.
gnomAD v4.1: 47 of 1,545,222 alleles (0.003%); highest among the groups gnomAD compares: African/African-American, 0.036%; 1 homozygote.

Submissions (5):

Labcorp Genetics (formerly Invitae), Labcorp
Classification: Likely benign for Spastic paraplegia. Last evaluated: 2026-01-20. Review status: criteria provided, single submitter. Criteria: Invitae Variant Classification Sherloc (09022015). Collection method: clinical testing. Allele origin: germline.

Ambry Genetics
Classification: Uncertain significance for Inborn genetic diseases. Last evaluated: 2022-08-08. Review status: criteria provided, single submitter. Criteria: Ambry Variant Classification Scheme 2023. Collection method: clinical testing. Allele origin: germline.

Baylor Genetics
Classification: Uncertain significance for Hereditary spastic paraplegia 35. Last evaluated: 2020-08-20. Review status: criteria provided, single submitter. Criteria: ACMG Guidelines, 2015. Collection method: clinical testing. Allele origin: unknown. Affected: yes.
Comment: This variant was determined to be of uncertain significance according to ACMG Guidelines, 2015 [PMID:25741868].

Clinical Genetics DNA and cytogenetics Diagnostics Lab, Erasmus MC, Erasmus Medical Center
Classification: Uncertain significance. Review status: no assertion criteria provided. Collection method: clinical testing. Allele origin: germline. Affected: yes. Study: VKGL Data-share Consensus. Not counted in ClinVar's aggregate classification.

Joint Genome Diagnostic Labs from Nijmegen and Maastricht, Radboudumc and MUMC+
Classification: Uncertain significance. Review status: no assertion criteria provided. Collection method: clinical testing. Allele origin: germline. Affected: yes. Study: VKGL Data-share Consensus. Not counted in ClinVar's aggregate classification.